The following is an entry in ClinVar:

ClinVar aggregate classification (germline): Uncertain significance (1 of 4 stars; one submission).

Submission:

GeneDx
Classification: Uncertain significance. Last evaluated: 2022-12-30. Review status: criteria provided, single submitter. Criteria: GeneDx Variant Classification Process June 2021. Collection method: clinical testing. Allele origin: germline. Affected: yes.
Comment: Not observed at significant frequency in large population cohorts (gnomAD); In silico analysis supports that this missense variant has a deleterious effect on protein structure/function; Has not been previously published as pathogenic or benign to our knowledge

NM_003470.3(USP7):c.913G>A (p.Asp305Asn)

Gene: USP7 (ubiquitin specific peptidase 7; minus strand). Cytogenetic location: 16p13.2.
Variant type: single nucleotide variant.
Coding change: c.913G>A on transcript NM_003470.3 (MANE Select); coding-DNA position 913, G replaced by A.
Protein change: p.Asp305Asn; replaces aspartic acid 305 with asparagine.
Molecular consequence: missense variant. On other transcripts: non-coding transcript variant (1).
Genome position (GRCh38, 1-based): chr16:8,915,519, C>T on the plus strand (G>A on the coding strand, the complement: USP7 is on the minus strand). VCF-style: chr16-8915519-C-T. GRCh37 (hg19) VCF-style: chr16-9009376-C-T.
Other names: c.865G>A, p.Asp289Asn (NM_001286457.2); c.616G>A, p.Asp206Asn (NM_001286458.2); c.739G>A, p.Asp247Asn (NM_001321858.2); short protein forms D206N, D247N, D289N, D305N.
Identifiers: ClinVar variation 2507077 (VCV002507077.1), dbSNP rs2549240821, ClinGen allele CA394703679.